The following is an entry in ClinVar:

NM_020975.6(RET):c.2305C>T (p.Leu769=)

Gene: RET (ret proto-oncogene; plus strand). Cytogenetic location: 10q11.21.
Variant type: single nucleotide variant.
Coding change: c.2305C>T on transcript NM_020975.6 (MANE Select); coding-DNA position 2305, C replaced by T.
Protein change: p.Leu769=; no amino-acid change (leucine 769 retained).
Molecular consequence: synonymous variant.
Genome position (GRCh38, 1-based): chr10:43,118,393, C>T. VCF-style: chr10-43118393-C-T. GRCh37 (hg19) VCF-style: chr10-43613841-C-T.
Other names: c.2305C>T, p.Leu769= (NM_000323.2, NM_001406743.1, NM_001406744.1 and 4 more transcripts); c.1543C>T, p.Leu515= (NM_001355216.2); c.2176C>T, p.Leu726= (NM_001406761.1, NM_001406762.1, NM_001406764.1); c.2170C>T, p.Leu724= (NM_001406763.1, NM_001406765.1); c.2017C>T, p.Leu673= (NM_001406766.1, NM_001406767.1, NM_001406770.1); c.2041C>T, p.Leu681= (NM_001406768.1); c.1909C>T, p.Leu637= (NM_001406769.1, NM_001406772.1); c.1867C>T, p.Leu623= (NM_001406771.1, NM_001406773.1); and 10 more; short protein forms L769F.
Identifiers: ClinVar variation 477343 (VCV000477343.13), dbSNP rs142793711, ClinGen allele CA038497.
Genomic context (GRCh38, chr10:43,118,393, plus strand): 5'-AGGAGCGATCGTTTGCAACCTGCTCTGTGCTGCATTTCAGAGAACGCCTCCCCGAGTGAG[C>T]TGCGAGACCTGCTGTCAGAGTTCAACGTCCTGAAGCAGGTCAACCACCCACATGTCATCA-3'
Protein context (NP_066124.1, residues 759-779): MLKENASPSE[Leu769=]RDLLSEFNVL

ClinVar aggregate classification (germline): Conflicting classifications of pathogenicity. Review status: criteria provided, conflicting classifications (1 of 4 stars). 3 submissions from 3 submitters: Uncertain significance (2); Likely benign (1). Last evaluated 2025-11-17.

Conditions:
Familial medullary thyroid carcinoma (MTC). Also called: Familial Medullary Thyroid Carcinoma (FMTC); Thyroid cancer, familial medullary; MTC, familial. Identifiers: Orphanet 653, Orphanet 99361, MedGen C1833921, MONDO:0007958, OMIM 155240.
Pheochromocytoma. Also called: MAX-Related Hereditary Paraganglioma-Pheochromocytoma Syndrome. Identifiers: Orphanet 29072, MedGen C0031511, MONDO:0008233, OMIM 171300, HP:0002666.
Multiple endocrine neoplasia type 2A. Also called: Multiple Endocrine Neoplasia Type 2A (MEN2A); MULTIPLE ENDOCRINE NEOPLASIA, TYPE IIA; PTC SYNDROME; SIPPLE SYNDROME; MEN 2A; MEN-2A syndrome. Identifiers: Orphanet 247698, Orphanet 653, MedGen C0025268, MeSH D018813, MONDO:0008234, OMIM 171400.
Hirschsprung disease, susceptibility to, 1 (HSCR1). Also called: RET-Related Hirschsprung Disease. Identifiers: Orphanet 388, MedGen C3888239, MONDO:0007723, OMIM 142623.
Multiple endocrine neoplasia type 2B. Also called: WAGENMANN-FROBOESE SYNDROME; MULTIPLE ENDOCRINE NEOPLASIA, TYPE III; MUCOSAL NEUROMA SYNDROME; Multiple Endocrine Neoplasia Type 2B (MEN2B); Multiple endocrine neoplasia, type 3; MULTIPLE ENDOCRINE NEOPLASIA, TYPE IIB. Identifiers: Orphanet 247709, Orphanet 653, MedGen C0025269, MeSH D018814, MONDO:0008082, OMIM 162300.
Multiple endocrine neoplasia, type 2 (MEN2). Identifiers: Orphanet 653, MedGen C4048306, MONDO:0019003. Disease mechanism: gain of function.

Allele frequency attached by ClinVar (database versions not stated): gnomAD exomes below 0.00001; ExAC 0.00001; TOPMed 0.00004; gnomAD 0.00005 and 0.00006; ESP Exome Variant Server 0.00008.
gnomAD v4.1: 15 of 1,613,986 alleles (0.00093%); highest among the groups gnomAD compares: African/African-American, 0.017%; no homozygotes.

Submissions (3):

Labcorp Genetics (formerly Invitae), Labcorp
Classification: Likely benign for Multiple endocrine neoplasia, type 2. Last evaluated: 2025-11-17. Review status: criteria provided, single submitter. Criteria: Invitae Variant Classification Sherloc (09022015). Collection method: clinical testing. Allele origin: germline.

GeneDx
Classification: Uncertain significance. Last evaluated: 2023-12-19. Review status: criteria provided, single submitter. Criteria: GeneDx Variant Classification Process June 2021. Collection method: clinical testing. Allele origin: germline.
Comment: Not observed at significant frequency in large population cohorts (gnomAD); Has not been previously published as pathogenic or benign to our knowledge; This variant is associated with the following publications: (PMID: 14633923)

Fulgent Genetics
Classification: Uncertain significance for Hirschsprung disease, susceptibility to, 1; Familial medullary thyroid carcinoma; Multiple endocrine neoplasia type 2B; Pheochromocytoma; Multiple endocrine neoplasia type 2A. Last evaluated: 2022-03-24. Review status: criteria provided, single submitter. Criteria: ACMG Guidelines, 2015. Collection method: clinical testing. Allele origin: unknown.